The following is an entry in ClinVar:

ClinVar aggregate classification (germline): Likely benign. Review status: criteria provided, multiple submitters, no conflicts (2 of 4 stars). 4 submissions from 4 submitters: Likely benign (4). Last evaluated 2026-07-01.

Allele frequency attached by ClinVar (database versions not stated): 1000 Genomes Project 30x 0.00406; TOPMed 0.00552; gnomAD 0.00574 and 0.00579; gnomAD exomes 0.00596; ExAC 0.00611; ESP Exome Variant Server 0.00702; 1000 Genomes Project 0.00359.
gnomAD v4.1: 10,699 of 1,614,134 alleles (0.66%); highest among the groups gnomAD compares: Middle Eastern, 1.1%; 51 homozygotes.

Submissions (4):

CeGaT Center for Human Genetics Tuebingen
Classification: Likely benign. Last evaluated: 2026-07-01. Review status: criteria provided, single submitter. Criteria: CeGaT Center For Human Genetics Tuebingen Variant Classification Criteria Version 2. Collection method: clinical testing. Allele origin: germline. Affected: yes. Observed: 17 variant alleles.
Comment: DPH1: BP4, BS2

Genomic Medicine Center of Excellence, King Faisal Specialist Hospital and Research Centre
Classification: Likely benign. Last evaluated: 2025-08-18. Review status: criteria provided, single submitter. Criteria: ACMG Guidelines, 2015. Collection method: clinical testing. Allele origin: germline.

Labcorp Genetics (formerly Invitae), Labcorp
Classification: Likely benign. Last evaluated: 2019-12-31. Review status: criteria provided, single submitter. Criteria: Invitae Variant Classification Sherloc (09022015). Collection method: clinical testing. Allele origin: germline.

Center for Pediatric Genomic Medicine, Children's Mercy Hospital and Clinics
Classification: Likely benign. Last evaluated: 2017-03-07. Review status: criteria provided, single submitter. Criteria: ACMG Guidelines, 2015. Collection method: clinical testing. Allele origin: germline.

NM_001383.6(DPH1):c.470C>T (p.Thr157Ile)

Gene: DPH1 (diphthamide biosynthesis 1; plus strand). Cytogenetic location: 17p13.3.
Variant type: single nucleotide variant.
Coding change: c.470C>T on transcript NM_001383.6 (MANE Select); coding-DNA position 470, C replaced by T.
Protein change: p.Thr157Ile; replaces threonine 157 with isoleucine.
Molecular consequence: missense variant. On other transcripts: non-coding transcript variant (3).
Genome position (GRCh38, 1-based): chr17:2,036,598, C>T. VCF-style: chr17-2036598-C-T. GRCh37 (hg19) VCF-style: chr17-1939892-C-T.
Other names: c.485C>T, p.Thr162Ile (NM_001346574.1, NM_001346575.1); c.65C>T, p.Thr22Ile (NM_001346576.2); short protein forms T162I, T22I, T157I.
Identifiers: ClinVar variation 445317 (VCV000445317.31), dbSNP rs116911386, ClinGen allele CA8277007.